The following is an entry in ClinVar:

NM_005861.4(STUB1):c.159+1G>C

Gene: STUB1 (STIP1 homology and U-box containing protein 1; plus strand). Cytogenetic location: 16p13.3.
Variant type: single nucleotide variant.
Coding change: c.159+1G>C on transcript NM_005861.4 (MANE Select); the canonical splice donor site of the intron after coding-DNA position 159, G replaced by C.
Molecular consequence: splice donor variant.
Genome position (GRCh38, 1-based): chr16:680,685, G>C. VCF-style: chr16-680685-G-C. GRCh37 (hg19) VCF-style: chr16-730685-G-C.
Other names: c.-147+1G>C (NM_001293197.2).
Identifiers: ClinVar variation 4532287 (VCV004532287.1).

ClinVar aggregate classification (germline): Likely pathogenic (1 of 4 stars; one submission).

Conditions:
Autosomal recessive spinocerebellar ataxia 16. Identifiers: Orphanet 412057, MedGen C5190574, MONDO:0014339, OMIM 615768.

Submission:

Medical Molecular Genetics, National Research Centre
Classification: Likely pathogenic for Autosomal recessive spinocerebellar ataxia 16. Last evaluated: 2025-11-01. Review status: criteria provided, single submitter. Criteria: ACMG Guidelines, 2015. Collection method: research. Allele origin: inherited. Affected: yes.
Comment: This homozygous splice-site variant in STUB1 (c.159+1G>C) affects the canonical donor position and is predicted to disrupt normal mRNA splicing. It is absent or very rare in population datasets, with no homozygotes reported. Disruption of canonical splice sites in STUB1 is expected to result in loss of function, supporting pathogenicity.